The following is an entry in ClinVar:

ClinVar aggregate classification (germline): Likely pathogenic (1 of 4 stars; one submission).

Conditions:
Generalized epilepsy with febrile seizures plus, type 2 (GEFSP2). Also called: GEFS+, TYPE 2. Identifiers: Orphanet 36387, MedGen C1858673, MONDO:0011461, OMIM 604403.

Submission:

Genomics, Clalit Research Institute, Clalit Health Care
Classification: Likely pathogenic for Generalized epilepsy with febrile seizures plus, type 2. Last evaluated: 2025-02-16. Review status: criteria provided, single submitter. Criteria: ACMG Guidelines, 2015. Collection method: clinical testing. Allele origin: germline. Inheritance: Autosomal dominant inheritance. Affected: yes. Observed: 1 heterozygote.
Comment: Frequency: The variant is absent from the gnomAD reference population dataset. Variant type: Null variant (frameshift indel) in a gene where LOF is a known mechanism of disease. Predicted to undergo NMD.

NM_001165963.4(SCN1A):c.4266del (p.Leu1423fs)

Genes: SCN1A (sodium voltage-gated channel alpha subunit 1; minus strand), LOC102724058 (uncharacterized LOC102724058; plus strand). Cytogenetic location: 2q24.3.
Variant type: Deletion.
Coding change: c.4266del on transcript NM_001165963.4 (MANE Select); coding-DNA position 4266, one base deleted (T; older notation c.4266delT).
Protein change: p.Leu1423fs; shifts the reading frame from leucine 1423.
Molecular consequence: frameshift variant. On other transcripts: non-coding transcript variant (1).
Genome position (GRCh38, 1-based): chr2:166,002,490, A deleted on the plus strand (T on the coding strand, the reverse complement: SCN1A is on the minus strand). VCF-style (leftmost placement, unchanged base first): chr2-166002489-GA-G. GRCh37 (hg19) VCF-style: chr2-166858999-GA-G.
Other names: c.4182del, p.Leu1395fs (NM_001165964.3, NM_001353957.2, NM_001353958.2); c.4266del, p.Leu1423fs (NM_001202435.3, NM_001353948.2); c.4233del, p.Leu1412fs (NM_001353949.2, NM_001353950.2, NM_001353951.2 and 2 more transcripts); c.4230del, p.Leu1411fs (NM_001353954.2, NM_001353955.2); c.4179del, p.Leu1394fs (NM_001353960.2); c.1824del, p.Leu609fs (NM_001353961.2); short protein forms L1394fs, L1395fs, L1411fs, L1412fs, L1423fs, L609fs.
Identifiers: ClinVar variation 3775165 (VCV003775165.1).